The following is an entry in ClinVar:

NM_005618.4(DLL1):c.67G>A (p.Gly23Arg)

Gene: DLL1 (delta like canonical Notch ligand 1; minus strand). Cytogenetic location: 6q27.
Variant type: single nucleotide variant.
Coding change: c.67G>A on transcript NM_005618.4 (MANE Select); coding-DNA position 67, G replaced by A.
Protein change: p.Gly23Arg; replaces glycine 23 with arginine.
Molecular consequence: missense variant.
Genome position (GRCh38, 1-based): chr6:170,289,796, C>T on the plus strand (G>A on the coding strand, the complement: DLL1 is on the minus strand). VCF-style: chr6-170289796-C-T. GRCh37 (hg19) VCF-style: chr6-170598884-C-T.
Other names: short protein forms G23R.
Identifiers: ClinVar variation 3672703 (VCV003672703.2).

ClinVar aggregate classification (germline): Uncertain significance (1 of 4 stars; one submission).

Submission:

Labcorp Genetics (formerly Invitae), Labcorp
Classification: Uncertain significance. Last evaluated: 2025-09-17. Review status: criteria provided, single submitter. Criteria: Invitae Variant Classification Sherloc (09022015). Collection method: clinical testing. Allele origin: germline.
Comment: This sequence change replaces glycine, which is neutral and non-polar, with arginine, which is basic and polar, at codon 23 of the DLL1 protein (p.Gly23Arg). This variant is not present in population databases (gnomAD no frequency). This variant has not been reported in the literature in individuals affected with DLL1-related conditions. ClinVar contains an entry for this variant (Variation ID: 3672703). An algorithm developed to predict the effect of missense changes on protein structure and function (PolyPhen-2) suggests that this variant is likely to be disruptive. In summary, the available evidence is currently insufficient to determine the role of this variant in disease. Therefore, it has been classified as a Variant of Uncertain Significance.